The following is an entry in ClinVar:

ClinVar aggregate classification (germline): Uncertain significance (1 of 4 stars; one submission).

Conditions:
Hereditary cancer-predisposing syndrome. Also called: Tumor predisposition; Hereditary Cancer Syndrome; Neoplastic Syndromes, Hereditary; Hereditary neoplastic syndrome. Identifiers: Orphanet 140162, MedGen C0027672, MeSH D009386, MONDO:0015356.

Submission:

Ambry Genetics
Classification: Uncertain significance for Hereditary cancer-predisposing syndrome. Last evaluated: 2022-06-03. Review status: criteria provided, single submitter. Criteria: Ambry Variant Classification Scheme 2023. Collection method: clinical testing. Allele origin: germline.
Comment: The p.A34T variant (also known as c.100G>A), located in coding exon 2 of the SDHB gene, results from a G to A substitution at nucleotide position 100. The alanine at codon 34 is replaced by threonine, an amino acid with similar properties. This amino acid position is conserved. In addition, the in silico prediction for this alteration is inconclusive. Since supporting evidence is limited at this time, the clinical significance of this alteration remains unclear.

NM_003000.3(SDHB):c.100G>A (p.Ala34Thr)

Gene: SDHB (succinate dehydrogenase complex iron sulfur subunit B; minus strand). Cytogenetic location: 1p36.13.
Variant type: single nucleotide variant.
Coding change: c.100G>A on transcript NM_003000.3 (MANE Select); coding-DNA position 100, G replaced by A.
Protein change: p.Ala34Thr; replaces alanine 34 with threonine.
Molecular consequence: missense variant.
Genome position (GRCh38, 1-based): chr1:17,044,861, C>T on the plus strand (G>A on the coding strand, the complement: SDHB is on the minus strand). VCF-style: chr1-17044861-C-T. GRCh37 (hg19) VCF-style: chr1-17371356-C-T.
Other names: c.100G>A, p.Ala34Thr (NM_001407361.1); short protein forms A34T.
Identifiers: ClinVar variation 1796951 (VCV001796951.2), dbSNP rs2078100708, ClinGen allele CA338228315.